The following is an entry in ClinVar:

NM_004211.5(SLC6A5):c.1028A>G (p.Asn343Ser)

Gene: SLC6A5 (solute carrier family 6 member 5; plus strand). Cytogenetic location: 11p15.1.
Variant type: single nucleotide variant.
Coding change: c.1028A>G on transcript NM_004211.5 (MANE Select); coding-DNA position 1028, A replaced by G.
Protein change: p.Asn343Ser; replaces asparagine 343 with serine.
Molecular consequence: missense variant.
Genome position (GRCh38, 1-based): chr11:20,614,721, A>G. VCF-style: chr11-20614721-A-G. GRCh37 (hg19) VCF-style: chr11-20636267-A-G.
Other names: c.326A>G, p.Asn109Ser (NM_001318369.2); short protein forms N343S, N109S.
Identifiers: ClinVar variation 1461498 (VCV001461498.6), dbSNP rs2133784664, ClinGen allele CA379915614.

ClinVar aggregate classification (germline): Uncertain significance (1 of 4 stars; one submission).

Conditions:
Hyperekplexia 3 (HKPX3). Also called: HYPEREKPLEXIA 3, AUTOSOMAL RECESSIVE; HYPEREKPLEXIA 3, AUTOSOMAL DOMINANT. Identifiers: Orphanet 3197, MedGen C3553288, MONDO:0013827, OMIM 614618.

Allele frequency attached by ClinVar (database versions not stated): gnomAD exomes below 0.00001.
gnomAD v4.1: 3 of 1,613,942 alleles (0.00019%); highest among the groups gnomAD compares: Non-Finnish European, 0.00017%; no homozygotes.

Submission:

Labcorp Genetics (formerly Invitae), Labcorp
Classification: Uncertain significance for Hyperekplexia 3. Last evaluated: 2022-02-10. Review status: criteria provided, single submitter. Criteria: Invitae Variant Classification Sherloc (09022015). Collection method: clinical testing. Allele origin: germline.
Comment: This sequence change replaces asparagine, which is neutral and polar, with serine, which is neutral and polar, at codon 343 of the SLC6A5 protein (p.Asn343Ser). In summary, the available evidence is currently insufficient to determine the role of this variant in disease. Therefore, it has been classified as a Variant of Uncertain Significance. Advanced modeling of protein sequence and biophysical properties (such as structural, functional, and spatial information, amino acid conservation, physicochemical variation, residue mobility, and thermodynamic stability) performed at Invitae indicates that this missense variant is not expected to disrupt SLC6A5 protein function. This variant has not been reported in the literature in individuals affected with SLC6A5-related conditions. This variant is not present in population databases (gnomAD no frequency).